The following is an entry in ClinVar:

NM_004259.7(RECQL5):c.2750A>C (p.Asn917Thr)

Gene: RECQL5 (RecQ like helicase 5; minus strand). Cytogenetic location: 17q25.1.
Variant type: single nucleotide variant.
Coding change: c.2750A>C on transcript NM_004259.7 (MANE Select); coding-DNA position 2750, A replaced by C.
Protein change: p.Asn917Thr; replaces asparagine 917 with threonine.
Molecular consequence: missense variant.
Genome position (GRCh38, 1-based): chr17:75,628,273, T>G on the plus strand (A>C on the coding strand, the complement: RECQL5 is on the minus strand). VCF-style: chr17-75628273-T-G. GRCh37 (hg19) VCF-style: chr17-73624353-T-G.
Other names: short protein forms N917T.
Identifiers: ClinVar variation 715821 (VCV000715821.6), dbSNP rs140565320, ClinGen allele CA8766940.

ClinVar aggregate classification (germline): Likely benign. Review status: criteria provided, single submitter (1 of 4 stars). 2 submissions from 2 submitters: Likely benign (1). 1 of the submissions does not count toward it. Last evaluated 2019-12-31.

Conditions:
RECQL5-related disorder. Also called: RECQL5-related condition.

Allele frequency attached by ClinVar (database versions not stated): 1000 Genomes Project 30x 0.00078; 1000 Genomes Project 0.00100; TOPMed 0.00209; ESP Exome Variant Server 0.00232; gnomAD 0.00235; gnomAD exomes 0.00246 and 0.00307; ExAC 0.00291.
gnomAD v4.1: 4,820 of 1,614,090 alleles (0.3%); highest among the groups gnomAD compares: Non-Finnish European, 0.34%; 11 homozygotes.

Submissions (2):

Labcorp Genetics (formerly Invitae), Labcorp
Classification: Likely benign. Last evaluated: 2019-12-31. Review status: criteria provided, single submitter. Criteria: Invitae Variant Classification Sherloc (09022015). Collection method: clinical testing. Allele origin: germline.

PreventionGenetics, part of Exact Sciences
Classification: Likely benign for RECQL5-related condition. Last evaluated: 2022-02-28. Review status: no assertion criteria provided. Collection method: clinical testing. Allele origin: germline. Not counted in ClinVar's aggregate classification.
Comment: This variant is classified as likely benign based on ACMG/AMP sequence variant interpretation guidelines (Richards et al. 2015 PMID: 25741868, with internal and published modifications).